The following is an entry in ClinVar:

NM_000384.3(APOB):c.10861G>A (p.Ala3621Thr)

Gene: APOB (apolipoprotein B; minus strand). Cytogenetic location: 2p24.1.
Variant type: single nucleotide variant.
Coding change: c.10861G>A on transcript NM_000384.3 (MANE Select); coding-DNA position 10861, G replaced by A.
Protein change: p.Ala3621Thr; replaces alanine 3621 with threonine.
Molecular consequence: missense variant.
Genome position (GRCh38, 1-based): chr2:21,006,007, C>T on the plus strand (G>A on the coding strand, the complement: APOB is on the minus strand). VCF-style: chr2-21006007-C-T. GRCh37 (hg19) VCF-style: chr2-21228879-C-T.
Other names: short protein forms A3621T.
Identifiers: ClinVar variation 925133 (VCV000925133.12), dbSNP rs373995960, ClinGen allele CA045010.

ClinVar aggregate classification (germline): Conflicting classifications of pathogenicity. Review status: criteria provided, conflicting classifications (1 of 4 stars). 4 submissions from 4 submitters: Uncertain significance (1); Benign (1). 2 of the submissions do not count toward it. Last evaluated 2024-09-04.

Conditions:
Cardiovascular phenotype. Identifiers: MedGen CN230736.
Familial hypobetalipoproteinemia 1. Also called: Hypobetalipoproteinemia, normotriglyceridemic; Acanthocytosis with hypobetalipoproteinemia; APOB-Related Familial Hypobetalipoproteinemia. Identifiers: MedGen C4551990, MONDO:0014252, OMIM 615558.
Hypercholesterolemia, autosomal dominant, type B (FHCL2). Also called: Familial Hypercholesterolemia Type B; HYPERCHOLESTEROLEMIA, FAMILIAL, DUE TO LIGAND-DEFECTIVE APOLIPOPROTEIN B; Familial hypercholesterolemia 2; APOB-Related Familial Hypercholesterolemia, Autosomal Dominant; APOLIPOPROTEIN B-100, FAMILIAL DEFECTIVE; APOLIPOPROTEIN B-100, FAMILIAL LIGAND-DEFECTIVE. Identifiers: MedGen C1704417, MONDO:0007751, OMIM 144010.

Allele frequency attached by ClinVar (database versions not stated): gnomAD 0.00003 and 0.00004; TOPMed 0.00003; ESP Exome Variant Server 0.00008; 1000 Genomes Project 30x 0.00016; 1000 Genomes Project 0.00020.
gnomAD v4.1: 18 of 1,613,930 alleles (0.0011%); highest among the groups gnomAD compares: South Asian, 0.0077%; no homozygotes.

Submissions (4):

Ambry Genetics
Classification: Uncertain significance for Cardiovascular phenotype. Last evaluated: 2024-09-04. Review status: criteria provided, single submitter. Criteria: Ambry Variant Classification Scheme 2023. Collection method: clinical testing. Allele origin: germline.
Comment: The p.A3621T variant (also known as c.10861G>A), located in coding exon 26 of the APOB gene, results from a G to A substitution at nucleotide position 10861. The alanine at codon 3621 is replaced by threonine, an amino acid with similar properties. This amino acid position is conserved. In addition, this alteration is predicted to be tolerated by in silico analysis. Based on the available evidence, the clinical significance of this variant remains unclear.

Labcorp Genetics (formerly Invitae), Labcorp
Classification: Benign for Familial hypobetalipoproteinemia 1; Hypercholesterolemia, autosomal dominant, type B. Last evaluated: 2024-01-25. Review status: criteria provided, single submitter. Criteria: Invitae Variant Classification Sherloc (09022015). Collection method: clinical testing. Allele origin: germline.

Clinical Genetics, Academic Medical Center
Classification: Uncertain significance. Review status: no assertion criteria provided. Collection method: clinical testing. Allele origin: germline. Affected: yes. Study: VKGL Data-share Consensus. Not counted in ClinVar's aggregate classification.

Diagnostic Laboratory, Department of Genetics, University Medical Center Groningen
Classification: Uncertain significance. Review status: no assertion criteria provided. Collection method: clinical testing. Allele origin: germline. Affected: yes. Study: VKGL Data-share Consensus. Not counted in ClinVar's aggregate classification.